The following is an entry in ClinVar:

ClinVar aggregate classification (germline): Uncertain significance (1 of 4 stars; one submission).

gnomAD v4.1: 7 of 1,614,052 alleles (0.00043%); highest among the groups gnomAD compares: Non-Finnish European, 0.00059%; no homozygotes.

Submission:

Mayo Clinic Laboratories, Mayo Clinic
Classification: Uncertain significance. Last evaluated: 2025-10-06. Review status: criteria provided, single submitter. Criteria: ACMG Guidelines, 2015. Collection method: clinical testing. Allele origin: germline. Observed: 1 variant allele.
Comment: PP3_moderate, PM2_supporting

NM_001061.7(TBXAS1):c.1049T>C (p.Leu350Pro)

Gene: TBXAS1 (thromboxane A synthase 1; plus strand). Cytogenetic location: 7q34.
Variant type: single nucleotide variant.
Coding change: c.1049T>C on transcript NM_001061.7 (MANE Select); coding-DNA position 1049, T replaced by C.
Protein change: p.Leu350Pro; replaces leucine 350 with proline.
Molecular consequence: missense variant.
Genome position (GRCh38, 1-based): chr7:139,962,148, T>C. VCF-style: chr7-139962148-T-C. GRCh37 (hg19) VCF-style: chr7-139661947-T-C.
Other names: p.Leu350Pro; c.1049T>C, p.Leu350Pro (NM_001130966.5, NM_030984.6); c.1187T>C, p.Leu396Pro (NM_001166253.4); c.848T>C, p.Leu283Pro (NM_001166254.4); c.992T>C, p.Leu331Pro (NM_001314028.4); c.866T>C, p.Leu289Pro (NM_001366537.3); short protein forms L289P, L350P, L331P, L283P, L351P, L396P, L397P.
Identifiers: ClinVar variation 4541337 (VCV004541337.1).